The following is an entry in ClinVar:

ClinVar aggregate classification (germline): Uncertain significance (1 of 4 stars; one submission).

gnomAD v4.1: 2 of 1,613,670 alleles (0.00012%); highest among the groups gnomAD compares: Admixed American, 0.0017%; no homozygotes.

Submission:

Greenwood Genetic Center Diagnostic Laboratories, Greenwood Genetic Center
Classification: Uncertain significance. Last evaluated: 2023-04-03. Review status: criteria provided, single submitter. Criteria: ACMG Guidelines, 2015. Collection method: clinical testing. Allele origin: germline. Affected: yes.
Comment: PM2, PP3

NM_003086.4(SNAPC4):c.473G>A (p.Gly158Glu)

Gene: SNAPC4 (small nuclear RNA activating complex polypeptide 4; minus strand). Cytogenetic location: 9q34.3.
Variant type: single nucleotide variant.
Coding change: c.473G>A on transcript NM_003086.4 (MANE Select); coding-DNA position 473, G replaced by A.
Protein change: p.Gly158Glu; replaces glycine 158 with glutamic acid.
Molecular consequence: missense variant.
Genome position (GRCh38, 1-based): chr9:136,394,877, C>T on the plus strand (G>A on the coding strand, the complement: SNAPC4 is on the minus strand). VCF-style: chr9-136394877-C-T. GRCh37 (hg19) VCF-style: chr9-139289329-C-T.
Other names: c.473G>A, p.Gly158Glu (NM_001394201.1, NM_001394202.1, NM_001394203.1); short protein forms G158E.
Identifiers: ClinVar variation 2572359 (VCV002572359.1), dbSNP rs1283521047, ClinGen allele CA375542773.